The following is an entry in ClinVar:

NM_022575.4(VPS16):c.386G>A (p.Arg129Gln)

Gene: VPS16 (VPS16 core subunit of CORVET and HOPS complexes; plus strand). Cytogenetic location: 20p13.
Variant type: single nucleotide variant.
Coding change: c.386G>A on transcript NM_022575.4 (MANE Select); coding-DNA position 386, G replaced by A.
Protein change: p.Arg129Gln; replaces arginine 129 with glutamine.
Molecular consequence: missense variant.
Genome position (GRCh38, 1-based): chr20:2,860,465, G>A. VCF-style: chr20-2860465-G-A. GRCh37 (hg19) VCF-style: chr20-2841111-G-A.
Other names: c.386G>A, p.Arg129Gln (NM_080413.3); c.386G>A (NM_022575.2); short protein forms R129Q.
Identifiers: ClinVar variation 3898383 (VCV003898383.8).

ClinVar aggregate classification (germline): Uncertain significance. Review status: criteria provided, multiple submitters, no conflicts (2 of 4 stars). 2 submissions from 2 submitters: Uncertain significance (2). Last evaluated 2025-08-05.

Conditions:
Inborn genetic diseases. Identifiers: MedGen C0950123, MeSH D030342.

Submissions (2):

Ambry Genetics
Classification: Uncertain significance for Inborn genetic diseases. Last evaluated: 2025-08-05. Review status: criteria provided, single submitter. Criteria: Ambry Variant Classification Scheme 2023. Collection method: clinical testing. Allele origin: germline.

CeGaT Center for Human Genetics Tuebingen
Classification: Uncertain significance. Last evaluated: 2025-04-01. Review status: criteria provided, single submitter. Criteria: CeGaT Center For Human Genetics Tuebingen Variant Classification Criteria Version 2. Collection method: clinical testing. Allele origin: germline. Affected: yes. Observed: 1 variant allele.
Comment: VPS16: PM2, BP4